The following is an entry in ClinVar:

NM_001453.3(FOXC1):c.603_614del (p.Pro203_Pro206del)

Gene: FOXC1 (forkhead box C1; plus strand). Cytogenetic location: 6p25.3.
Variant type: Deletion.
Coding change: c.603_614del on transcript NM_001453.3 (MANE Select); coding-DNA positions 603 to 614, 12 bases deleted (CCCGCCCGCGCC).
Protein change: p.Pro203_Pro206del.
Molecular consequence: inframe deletion.
Genome position (GRCh38, 1-based): chr6:1,611,048-1,611,059, CCCGCCCGCGCC deleted; deleting any 12 consecutive bases within chr6:1,611,045-1,611,059 gives the same sequence; the c. name uses the placement nearest the transcript's 3' end. VCF-style (leftmost placement, unchanged base first): chr6-1611044-AGCCCCCGCCCGC-A. GRCh37 (hg19) VCF-style: chr6-1611279-AGCCCCCGCCCGC-A.
Identifiers: ClinVar variation 1354186 (VCV001354186.8), dbSNP rs1762531002, ClinGen allele CA1605822637.

ClinVar aggregate classification (germline): Uncertain significance (1 of 4 stars; one submission).

Conditions:
Axenfeld-Rieger syndrome type 3 (RIEG3). Also called: AXENFELD-RIEGER ANOMALY WITH CARDIAC DEFECTS AND/OR SENSORINEURAL HEARING LOSS. Identifiers: Orphanet 782, MedGen C2678503, MONDO:0011233, OMIM 602482.

Submission:

Labcorp Genetics (formerly Invitae), Labcorp
Classification: Uncertain significance for Axenfeld-Rieger syndrome type 3. Last evaluated: 2022-10-26. Review status: criteria provided, single submitter. Criteria: Invitae Variant Classification Sherloc (09022015). Collection method: clinical testing. Allele origin: germline.
Comment: This variant, c.603_614del, results in the deletion of 4 amino acid(s) of the FOXC1 protein (p.Pro203_Pro206del), but otherwise preserves the integrity of the reading frame. This variant is not present in population databases (gnomAD no frequency). This variant has not been reported in the literature in individuals affected with FOXC1-related conditions. ClinVar contains an entry for this variant (Variation ID: 1354186). Experimental studies and prediction algorithms are not available or were not evaluated, and the functional significance of this variant is currently unknown. In summary, the available evidence is currently insufficient to determine the role of this variant in disease. Therefore, it has been classified as a Variant of Uncertain Significance.